The following is an entry in ClinVar:

ClinVar aggregate classification (germline): Likely pathogenic (1 of 4 stars; one submission).

Conditions:
Generalized epilepsy with febrile seizures plus, type 2 (GEFSP2). Also called: GEFS+, TYPE 2. Identifiers: Orphanet 36387, MedGen C1858673, MONDO:0011461, OMIM 604403.

Submission:

Lifecell International Pvt. Ltd
Classification: Likely pathogenic for Generalized epilepsy with febrile seizures plus, type 2. Review status: criteria provided, single submitter. Criteria: ACMG Guidelines, 2015. Collection method: clinical testing. Allele origin: germline. Inheritance: Autosomal dominant inheritance. Affected: yes. Observed: 1 variant allele, 1 heterozygote.
Comment: A heterozygous one-base deletion in exon 5 of the SCN1A gene (c.265delA) that results in a frameshift and premature truncation of the protein 3 amino acids downstream to codon 89 (p.Thr89LeufsTer3) was detected. This frameshift variant is not reported in both the 1000 genomes and gnomAD databases. This variant is predicted to be damaging by Mutation taster and the region is conserved across species. This variant is a frameshift variant which occurs in an exon of SCN1A upstream of where nonsense mediated decay is predicted to occur. There are 412 downstream pathogenic loss of function variants, with the furthest variant being 1837 residues downstream of this variant. This indicates that the region is critical to protein function. The gene SCN1A has a low rate of benign loss of function variants as indicated by a low upper bound of the observed/expected confidence interval 0.07. The p.Thr89Leufs*3 variant is a loss of function variant in the gene SCN1A, which is intolerant of Loss of Function variants, as indicated by the presence of existing pathogenic loss of function variant NP_001159435.1:p.M1I and 446 others. Based on the above evidence this variant has been classified as likely pathogenic according to the ACMG guidelines.

NM_001165963.4(SCN1A):c.265del (p.Thr89fs)

Gene: SCN1A (sodium voltage-gated channel alpha subunit 1; minus strand). Cytogenetic location: 2q24.3.
Variant type: Deletion.
Coding change: c.265del on transcript NM_001165963.4 (MANE Select); coding-DNA position 265, one base deleted (A; older notation c.265delA).
Protein change: p.Thr89fs; shifts the reading frame from threonine 89.
Molecular consequence: frameshift variant. On other transcripts: 5 prime UTR variant (1), non-coding transcript variant (1).
Genome position (GRCh38, 1-based): chr2:166,058,688, T deleted on the plus strand (A on the coding strand, the reverse complement: SCN1A is on the minus strand). VCF-style (leftmost placement, unchanged base first): chr2-166058687-GT-G. GRCh37 (hg19) VCF-style: chr2-166915197-GT-G.
Other names: c.265del, p.Thr89fs (NM_001353949.2, NM_001353950.2, NM_001353951.2 and 10 more transcripts); c.-2161del (NM_001353961.2); short protein forms T89fs.
Identifiers: ClinVar variation 1180552 (VCV001180552.2), dbSNP rs2105918665, ClinGen allele CA2499215212.